The following is an entry in ClinVar:

ClinVar aggregate classification (germline): Uncertain significance. Review status: criteria provided, multiple submitters, no conflicts (2 of 4 stars). 2 submissions from 2 submitters: Uncertain significance (2). Last evaluated 2024-05-30.

Conditions:
Glycogen storage disease due to phosphoglycerate kinase 1 deficiency. Also called: PGK1 DEFICIENCY; PHOSPHOGLYCERATE KINASE 1 DEFICIENCY WITH LEVO-DOPA-RESPONSIVE PARKINSONISM. Identifiers: Orphanet 713, MedGen C1970848, MONDO:0010392, OMIM 300653.

Allele frequency attached by ClinVar (database versions not stated): TOPMed below 0.00001.

Submissions (2):

Fulgent Genetics
Classification: Uncertain significance for Glycogen storage disease due to phosphoglycerate kinase 1 deficiency. Last evaluated: 2024-05-30. Review status: criteria provided, single submitter. Criteria: ACMG Guidelines, 2015. Collection method: clinical testing. Allele origin: germline.

GeneDx
Classification: Uncertain significance. Last evaluated: 2019-08-21. Review status: criteria provided, single submitter. Criteria: GeneDx Variant Classification Process June 2021. Collection method: clinical testing. Allele origin: germline. Affected: yes.
Comment: Not observed in large population cohorts (Lek et al., 2016); In silico analysis, which includes protein predictors and evolutionary conservation, supports that this variant does not alter protein structure/function; Has not been previously published as pathogenic or benign to our knowledge

NM_000291.4(PGK1):c.11C>T (p.Ser4Phe)

Gene: PGK1 (phosphoglycerate kinase 1; plus strand). Cytogenetic location: Xq21.1.
Variant type: single nucleotide variant.
Coding change: c.11C>T on transcript NM_000291.4 (MANE Select); coding-DNA position 11, C replaced by T.
Protein change: p.Ser4Phe; replaces serine 4 with phenylalanine.
Molecular consequence: missense variant.
Genome position (GRCh38, 1-based): chrX:78,104,351, C>T. VCF-style: chrX-78104351-C-T. GRCh37 (hg19) VCF-style: chrX-77359848-C-T.
Other names: short protein forms S4F.
Identifiers: ClinVar variation 1308105 (VCV001308105.3), dbSNP rs2078257508, ClinGen allele CA413716172.